The following is an entry in ClinVar:

ClinVar aggregate classification (germline): Likely pathogenic. Review status: criteria provided, single submitter (1 of 4 stars). 2 submissions from 2 submitters: Likely pathogenic (1). 1 of the submissions does not count toward it. Last evaluated 2022-02-18.

Conditions:
Pelizaeus-Merzbacher disease. Also called: Pelizeaus-Merzbacher spectrum disorder; LEUKODYSTROPHY, HYPOMYELINATING, 1; Sudanophilic leukodystrophy; Pelizaeus-Merzbacher spectrum disorder; Pelizaeus-Merzbacher Disease (PMD). Identifiers: Orphanet 702, MedGen C0205711, MONDO:0010714, OMIM 312080, HP:0003269.

Submissions (2):

Molecular Diagnostics Lab, Nemours Children's Health, Delaware
Classification: Likely pathogenic for Pelizaeus-Merzbacher disease. Last evaluated: 2022-02-18. Review status: criteria provided, single submitter. Criteria: ACMG Guidelines, 2015. Collection method: clinical testing. Allele origin: maternal, unknown. Inheritance: X-linked inheritance. Affected: yes and no. Observed: 1 heterozygote, 2 hemizygotes.
Comment: This intronic variant (c.762+3G>T) has not been observed in population databases (gnomAD). It has been described in the literature (PMID 7574457, PMID 11071483). Splice prediction programs indicate that the change affects the normal splicing pattern of the mRNA, and RNA studies in fibroblasts from affected brothers and their carrier mother show skipping of exon 6 resulting in a smaller PLP1 protein.

OMIM
Classification: Pathogenic for PELIZAEUS-MERZBACHER DISEASE. Last evaluated: 2000-10-24. Review status: no assertion criteria provided. Collection method: literature only. Allele origin: germline. Not counted in ClinVar's aggregate classification.

Literature cited by the submitters: PubMed 11071483 (cited by Molecular Diagnostics Lab, Nemours Children's Health, Delaware and OMIM); PubMed 7574457 (cited by Molecular Diagnostics Lab, Nemours Children's Health, Delaware and OMIM).

NM_000533.5(PLP1):c.762+3G>T

Genes: PLP1 (proteolipid protein 1; plus strand), RAB9B (RAB9B, member RAS oncogene family; minus strand). Cytogenetic location: Xq22.2.
Variant type: single nucleotide variant.
Coding change: c.762+3G>T on transcript NM_000533.5 (MANE Select); 3 bases into the intron after coding-DNA position 762, G replaced by T.
Molecular consequence: intron variant.
Genome position (GRCh38, 1-based): chrX:103,789,401, G>T. VCF-style: chrX-103789401-G-T. GRCh37 (hg19) VCF-style: chrX-103044330-G-T.
Other names: IVS6DS, G-T, +3; c.762+3G>T (NM_001128834.3); c.657+3G>T (NM_199478.3); c.597+3G>T (NM_001305004.1).
Identifiers: ClinVar variation 11094 (VCV000011094.3), dbSNP rs1569428537, ClinGen allele CA891843757.